The following is an entry in ClinVar:

NM_000038.6(APC):c.8003A>G (p.Asn2668Ser)

Gene: APC (APC regulator of Wnt signaling pathway; plus strand). Cytogenetic location: 5q22.2.
Variant type: single nucleotide variant.
Coding change: c.8003A>G on transcript NM_000038.6 (MANE Select); coding-DNA position 8003, A replaced by G.
Protein change: p.Asn2668Ser; replaces asparagine 2668 with serine.
Molecular consequence: missense variant.
Genome position (GRCh38, 1-based): chr5:112,843,597, A>G. VCF-style: chr5-112843597-A-G. GRCh37 (hg19) VCF-style: chr5-112179294-A-G.
Other names: c.8003A>G, p.Asn2668Ser (NM_001127510.3, NM_001354895.2); c.7949A>G, p.Asn2650Ser (NM_001127511.3); c.8057A>G, p.Asn2686Ser (NM_001354896.2); c.8033A>G, p.Asn2678Ser (NM_001354897.2); c.7928A>G, p.Asn2643Ser (NM_001354898.2); c.7919A>G, p.Asn2640Ser (NM_001354899.2); c.7880A>G, p.Asn2627Ser (NM_001354900.2); c.7826A>G, p.Asn2609Ser (NM_001354901.2); and 5 more; short protein forms N2668S, N2650S, N2542S, N2567S, N2609S, N2627S, N2678S, N2577S.
Identifiers: ClinVar variation 411409 (VCV000411409.17), dbSNP rs374886362, ClinGen allele CA049593.

ClinVar aggregate classification (germline): Uncertain significance. Review status: criteria provided, multiple submitters, no conflicts (2 of 4 stars). 3 submissions from 3 submitters: Uncertain significance (3). Last evaluated 2024-12-09.

Conditions:
Familial adenomatous polyposis 1 (FAP1). Also called: FAMILIAL ADENOMATOUS POLYPOSIS 1, ATTENUATED; POLYPOSIS, ADENOMATOUS INTESTINAL. Identifiers: MedGen C2713442, MONDO:0021056, OMIM 175100. Disease mechanism: loss of function.
Hereditary cancer-predisposing syndrome. Also called: Tumor predisposition; Hereditary Cancer Syndrome; Hereditary neoplastic syndrome; Neoplastic Syndromes, Hereditary. Identifiers: Orphanet 140162, MedGen C0027672, MeSH D009386, MONDO:0015356.

Allele frequency attached by ClinVar (database versions not stated): gnomAD 0.00001; gnomAD exomes 0.00001; ExAC 0.00002; TOPMed 0.00002; ESP Exome Variant Server 0.00008.
gnomAD v4.1: 9 of 1,613,866 alleles (0.00056%); highest among the groups gnomAD compares: African/African-American, 0.0027%; no homozygotes.

Submissions (3):

Ambry Genetics
Classification: Uncertain significance for Hereditary cancer-predisposing syndrome. Last evaluated: 2024-12-09. Review status: criteria provided, single submitter. Criteria: Ambry Variant Classification Scheme 2023. Collection method: clinical testing. Allele origin: germline.
Comment: The p.N2668S variant (also known as c.8003A>G), located in coding exon 15 of the APC gene, results from an A to G substitution at nucleotide position 8003. The asparagine at codon 2668 is replaced by serine, an amino acid with highly similar properties. In one study, this variant was detected in 0/165 colorectal cancer and/or polyposis patients and was identified in 1/2512 control individuals from a healthy population database (Rosenthal EA et al. Hum Genet, 2018 Oct;137:795-806). This amino acid position is highly conserved in available vertebrate species. In addition, in silico predictors for this gene do not accurately predict pathogenicity. Since supporting evidence is limited at this time, the clinical significance of this alteration remains unclear.

Labcorp Genetics (formerly Invitae), Labcorp
Classification: Uncertain significance for Familial adenomatous polyposis 1. Last evaluated: 2024-08-05. Review status: criteria provided, single submitter. Criteria: Invitae Variant Classification Sherloc (09022015). Collection method: clinical testing. Allele origin: germline.
Comment: This sequence change replaces asparagine, which is neutral and polar, with serine, which is neutral and polar, at codon 2668 of the APC protein (p.Asn2668Ser). This variant is present in population databases (rs374886362, gnomAD 0.003%). This variant has not been reported in the literature in individuals affected with APC-related conditions. ClinVar contains an entry for this variant (Variation ID: 411409). Advanced modeling of protein sequence and biophysical properties (such as structural, functional, and spatial information, amino acid conservation, physicochemical variation, residue mobility, and thermodynamic stability) performed at Invitae indicates that this missense variant is not expected to disrupt APC protein function with a negative predictive value of 95%. RNA analysis performed to evaluate the impact of this missense change on mRNA splicing indicates it does not significantly alter splicing (Invitae). In summary, the available evidence is currently insufficient to determine the role of this variant in disease. Therefore, it has been classified as a Variant of Uncertain Significance.

GeneDx
Classification: Uncertain significance. Last evaluated: 2022-11-18. Review status: criteria provided, single submitter. Criteria: GeneDx Variant Classification Process June 2021. Collection method: clinical testing. Allele origin: germline. Affected: yes.
Comment: Not observed at significant frequency in large population cohorts (gnomAD); In silico analysis supports that this missense variant does not alter protein structure/function; Has not been previously published as pathogenic or benign to our knowledge; This variant is associated with the following publications: (PMID: 18199528)

Literature cited by the submitters: PubMed 30267214 (cited by Ambry Genetics).